The following is an entry in ClinVar:

ClinVar aggregate classification (germline): Uncertain significance. Review status: criteria provided, multiple submitters, no conflicts (2 of 4 stars). 5 submissions from 5 submitters: Uncertain significance (3). 2 of the submissions do not count toward it. Last evaluated 2022-08-16.

Conditions:
AGL-related disorder. Also called: AGL-related condition.
Glycogen storage disease type III (GSD3). Also called: Cori disease; FORBES DISEASE. Identifiers: Orphanet 366, MedGen C0017922, MONDO:0009291, OMIM 232400.

Allele frequency attached by ClinVar (database versions not stated): gnomAD exomes 0.00001 and 0.00002; ExAC 0.00002; gnomAD 0.00003; TOPMed 0.00007.
gnomAD v4.1: 23 of 1,613,690 alleles (0.0014%); highest among the groups gnomAD compares: African/African-American, 0.019%; no homozygotes.

Submissions (5):

Labcorp Genetics (formerly Invitae), Labcorp
Classification: Uncertain significance for Glycogen storage disease type III. Last evaluated: 2022-08-16. Review status: criteria provided, single submitter. Criteria: Invitae Variant Classification Sherloc (09022015). Collection method: clinical testing. Allele origin: germline.
Comment: This sequence change replaces alanine, which is neutral and non-polar, with threonine, which is neutral and polar, at codon 859 of the AGL protein (p.Ala859Thr). This variant is present in population databases (rs773083396, gnomAD 0.03%). This variant has not been reported in the literature in individuals affected with AGL-related conditions. ClinVar contains an entry for this variant (Variation ID: 456474). Algorithms developed to predict the effect of missense changes on protein structure and function are either unavailable or do not agree on the potential impact of this missense change (SIFT: "Tolerated"; PolyPhen-2: "Possibly Damaging"; Align-GVGD: "Class C0"). In summary, the available evidence is currently insufficient to determine the role of this variant in disease. Therefore, it has been classified as a Variant of Uncertain Significance.

Genome-Nilou Lab
Classification: Uncertain significance for Glycogen storage disease type III. Last evaluated: 2021-07-15. Review status: criteria provided, single submitter. Criteria: ACMG Guidelines, 2015. Collection method: clinical testing. Allele origin: germline. Affected: no.

CeGaT Center for Human Genetics Tuebingen
Classification: Uncertain significance. Last evaluated: 2018-04-01. Review status: criteria provided, single submitter. Criteria: CeGaT Center For Human Genetics Tuebingen Variant Classification Criteria Version 2. Collection method: clinical testing. Allele origin: germline. Affected: yes. Observed: 1 variant allele.

PreventionGenetics, part of Exact Sciences
Classification: Uncertain significance for AGL-related condition. Last evaluated: 2024-04-17. Review status: no assertion criteria provided. Collection method: clinical testing. Allele origin: germline. Not counted in ClinVar's aggregate classification.
Comment: The AGL c.2575G>A variant is predicted to result in the amino acid substitution p.Ala859Thr. To our knowledge, this variant has not been reported in the literature. This variant is reported in 0.025% of alleles in individuals of African descent in gnomAD. At this time, the clinical significance of this variant is uncertain due to the absence of conclusive functional and genetic evidence.

Natera, Inc.
Classification: Uncertain significance for Glycogen storage disease type III. Last evaluated: 2020-09-16. Review status: no assertion criteria provided. Collection method: clinical testing. Allele origin: germline. Not counted in ClinVar's aggregate classification.

NM_000642.3(AGL):c.2575G>A (p.Ala859Thr)

Gene: AGL (amylo-alpha-1,6-glucosidase and 4-alpha-glucanotransferase; plus strand). Cytogenetic location: 1p21.2.
Variant type: single nucleotide variant.
Coding change: c.2575G>A on transcript NM_000642.3 (MANE Select); coding-DNA position 2575, G replaced by A.
Protein change: p.Ala859Thr; replaces alanine 859 with threonine.
Molecular consequence: missense variant.
Genome position (GRCh38, 1-based): chr1:99,884,597, G>A. VCF-style: chr1-99884597-G-A. GRCh37 (hg19) VCF-style: chr1-100350153-G-A.
Other names: c.2374G>A, p.Ala792Thr (NM_001425327.1); c.2371G>A, p.Ala791Thr (NM_001425328.1); c.2197G>A, p.Ala733Thr (NM_001425332.1); c.2575G>A, p.Ala859Thr (NM_000028.3, NM_000643.3, NM_000644.3 and 2 more transcripts); c.2527G>A, p.Ala843Thr (NM_000646.3); short protein forms A859T, A843T, A733T, A791T, A792T.
Identifiers: ClinVar variation 456474 (VCV000456474.49), dbSNP rs773083396, ClinGen allele CA966834.
Genomic context (GRCh38, chr1:99,884,597, plus strand): 5'-AAAATTAACCACTTTTTAATTAACATTTTCAGAGTTAGTCTTGATCCACATGCACAAGTC[G>A]CTGTTGGAATTCTTCGAAATCATCTGACACAATTCAGTCCTCACTTTAAATCTGGCAGCC-3'
Protein context (NP_000633.2, residues 849-869): RVSLDPHAQV[Ala859Thr]VGILRNHLTQ